The following is an entry in ClinVar:

ClinVar aggregate classification (germline): Likely benign (0 of 4 stars; one submission).

Conditions:
BSN-related disorder. Also called: BSN-related condition.

Allele frequency attached by ClinVar (database versions not stated): ExAC 0.00023; gnomAD 0.00023; TOPMed 0.00008; gnomAD exomes 0.00061; 1000 Genomes Project 30x 0.00078; 1000 Genomes Project 0.00100.
gnomAD v4.1: 888 of 1,599,194 alleles (0.056%); highest among the groups gnomAD compares: East Asian, 2%; 22 homozygotes.

Submission:

PreventionGenetics, part of Exact Sciences
Classification: Likely benign for BSN-related condition. Last evaluated: 2019-02-26. Review status: no assertion criteria provided. Collection method: clinical testing. Allele origin: germline.
Comment: This variant is classified as likely benign based on ACMG/AMP sequence variant interpretation guidelines (Richards et al. 2015 PMID: 25741868, with internal and published modifications).

NM_003458.4(BSN):c.720G>A (p.Gln240=)

Gene: BSN (bassoon presynaptic cytomatrix protein; plus strand). Cytogenetic location: 3p21.31.
Variant type: single nucleotide variant.
Coding change: c.720G>A on transcript NM_003458.4 (MANE Select); coding-DNA position 720, G replaced by A.
Protein change: p.Gln240=; no amino-acid change (glutamine 240 retained).
Molecular consequence: synonymous variant.
Genome position (GRCh38, 1-based): chr3:49,642,354, G>A. VCF-style: chr3-49642354-G-A. GRCh37 (hg19) VCF-style: chr3-49679787-G-A.
Identifiers: ClinVar variation 3040984 (VCV003040984.2), dbSNP rs192482729, ClinGen allele CA2399459.